The following is an entry in ClinVar:

ClinVar aggregate classification (germline): Pathogenic (1 of 4 stars; one submission).

Conditions:
Hereditary spastic paraplegia 49 (HSAN9). Also called: TECPR2-Related Hereditary Sensory and Autonomic Neuropathy with Intellectual Disability; NEUROPATHY, HEREDITARY SENSORY AND AUTONOMIC, TYPE IX, WITH DEVELOPMENTAL DELAY; Spastic paraplegia 49, autosomal recessive. Identifiers: Orphanet 320385, MedGen C5190860, MONDO:0014016, OMIM 615031.

Submission:

Labcorp Genetics (formerly Invitae), Labcorp
Classification: Pathogenic for Hereditary spastic paraplegia 49. Last evaluated: 2023-03-26. Review status: criteria provided, single submitter. Criteria: Invitae Variant Classification Sherloc (09022015). Collection method: clinical testing. Allele origin: germline.
Comment: This variant has not been reported in the literature in individuals affected with TECPR2-related conditions. For these reasons, this variant has been classified as Pathogenic. This variant is not present in population databases (gnomAD no frequency). This sequence change creates a premature translational stop signal (p.Asp593Glufs*53) in the TECPR2 gene. It is expected to result in an absent or disrupted protein product. Loss-of-function variants in TECPR2 are known to be pathogenic (PMID: 23176824, 25590979).

Literature cited by the submitters: PubMed 23176824; PubMed 25590979.

NM_014844.5(TECPR2):c.1779del (p.Asp593fs)

Gene: TECPR2 (tectonin beta-propeller repeat containing 2; plus strand). Cytogenetic location: 14q32.31.
Variant type: Deletion.
Coding change: c.1779del on transcript NM_014844.5 (MANE Select); coding-DNA position 1779, one base deleted (T; older notation c.1779delT).
Protein change: p.Asp593fs; shifts the reading frame from aspartic acid 593.
Molecular consequence: frameshift variant.
Genome position (GRCh38, 1-based): chr14:102,434,596, T deleted. VCF-style (leftmost placement, unchanged base first): chr14-102434595-AT-A. GRCh37 (hg19) VCF-style: chr14-102900932-AT-A.
Other names: c.1779del, p.Asp593fs (NM_001172631.3); short protein forms D593fs.
Identifiers: ClinVar variation 2849620 (VCV002849620.3), dbSNP rs2504424733, ClinGen allele CA2739279005.